The following is an entry in ClinVar:

ClinVar aggregate classification (germline): Uncertain significance (1 of 4 stars; one submission).

Conditions:
Cardiovascular phenotype. Identifiers: MedGen CN230736.

Submission:

Ambry Genetics
Classification: Uncertain significance for Cardiovascular phenotype. Last evaluated: 2025-12-21. Review status: criteria provided, single submitter. Criteria: Ambry Variant Classification Scheme 2023. Collection method: clinical testing. Allele origin: germline.
Comment: The p.V3743I variant (also known as c.11227G>A), located in coding exon 26 of the APOB gene, results from a G to A substitution at nucleotide position 11227. The valine at codon 3743 is replaced by isoleucine, an amino acid with highly similar properties. This amino acid position is conserved. In addition, this alteration is predicted to be tolerated by in silico analysis. Based on the available evidence, the clinical significance of this variant remains unclear.

NM_000384.3(APOB):c.11227G>A (p.Val3743Ile)

Gene: APOB (apolipoprotein B; minus strand). Cytogenetic location: 2p24.1.
Variant type: single nucleotide variant.
Coding change: c.11227G>A on transcript NM_000384.3 (MANE Select); coding-DNA position 11227, G replaced by A.
Protein change: p.Val3743Ile; replaces valine 3743 with isoleucine.
Molecular consequence: missense variant.
Genome position (GRCh38, 1-based): chr2:21,005,641, C>T on the plus strand (G>A on the coding strand, the complement: APOB is on the minus strand). VCF-style: chr2-21005641-C-T. GRCh37 (hg19) VCF-style: chr2-21228513-C-T.
Other names: short protein forms V3743I.
Identifiers: ClinVar variation 4842882 (VCV004842882.1).
Genomic context (GRCh38, chr2:21,005,641, plus strand): 5'-GTTTGCACGATGGAACCTGAAGATCTGTAAATGGGACATGGAACGTAGGCATGACAAGAA[C>T]TGAATTTAGATCATTTAGTTTCAGCCCAGGAATAATGAATTTATCAGCCAAAACTTTTAC-3'
Protein context (NP_000375.3, residues 3733-3753): PGLKLNDLNS[Val3743Ile]LVMPTFHVPF